The following is an entry in ClinVar:

NM_001371720.2(MUC1):c.3094T>A (p.Ser1032Thr)

Gene: MUC1 (mucin 1, cell surface associated; minus strand). Cytogenetic location: 1q22.
Variant type: single nucleotide variant.
Coding change: c.3094T>A on transcript NM_001371720.2; coding-DNA position 3094, T replaced by A.
Protein change: p.Ser1032Thr; replaces serine 1032 with threonine.
Molecular consequence: missense variant. On other transcripts: intron variant (8).
Genome position (GRCh38, 1-based): chr1:155,188,222, A>T on the plus strand (T>A on the coding strand, the complement: MUC1 is on the minus strand). VCF-style: chr1-155188222-A-T. GRCh37 (hg19) VCF-style: chr1-155160698-A-T.
Other names: NC_000001.10:g.155160698A>T; c.124-168T>A (NM_001204290.2); c.160-10T>A (NM_001204294.2, NM_001044393.3, NM_001044390.3); c.187-168T>A (NM_001204289.2); c.187-10T>A (NM_001204296.2, NM_001204292.1); c.196T>A, p.Ser66Thr (NM_001018016.3, NM_001044392.3, NM_001204288.2 and 1 more transcripts); c.169T>A, p.Ser57Thr (NM_001018017.3, NM_001044391.3); c.829T>A, p.Ser277Thr (NM_001204285.2); and 4 more; short protein forms S1032T, S277T, S75T, S84T, S286T, S57T, S66T.
Identifiers: ClinVar variation 4296269 (VCV004296269.7).
Genomic context (GRCh38, chr1:155,188,222, plus strand): 5'-CCATTTCAGAAATGTCTCTCTGCAGCTCTTGGTAGTAGTCGGTGCTGGGATCTTCCAGAG[A>T]GGAATTAAACTGGAGGTTTGAAATGTGAAAAGACAGGAAAAAGAAAGAGACCCCAGTAGA-3'

ClinVar aggregate classification (germline): Likely benign. Review status: criteria provided, multiple submitters, no conflicts (2 of 4 stars). 2 submissions from 2 submitters: Likely benign (2). Last evaluated 2025-12-01.

Submissions (11):

CeGaT Center for Human Genetics Tuebingen
Classification: Likely benign. Last evaluated: 2025-12-01. Review status: criteria provided, single submitter. Criteria: CeGaT Center For Human Genetics Tuebingen Variant Classification Criteria Version 2. Collection method: clinical testing. Allele origin: germline. Affected: yes. Observed: 1 variant allele.
Comment: MUC1: BP4, BS1

Blueprint Genetics
Classification: Likely benign. Last evaluated: 2024-11-22. Review status: criteria provided, single submitter. Criteria: ACMG Guidelines, 2015. Collection method: clinical testing. Allele origin: germline.

Dr. Peter K. Rogan Lab, Western University
No classification provided (evidence only). Condition: Melanoma. Review status: no classification provided. Collection method: in vitro. Allele origin: not applicable. Functional consequence: retained intron. Not counted in ClinVar's aggregate classification.

Dr. Peter K. Rogan Lab, Western University
No classification provided (evidence only). Condition: Melanoma. Review status: no classification provided. Collection method: in vitro. Allele origin: not applicable. Functional consequence: retained intron. Not counted in ClinVar's aggregate classification.

Dr. Peter K. Rogan Lab, Western University
No classification provided (evidence only). Condition: Melanoma. Review status: no classification provided. Collection method: in vitro. Allele origin: not applicable. Functional consequence: retained intron. Not counted in ClinVar's aggregate classification.

Dr. Peter K. Rogan Lab, Western University
No classification provided (evidence only). Condition: Colon adenocarcinoma. Review status: no classification provided. Collection method: in vitro. Allele origin: not applicable. Functional consequence: retained intron. Not counted in ClinVar's aggregate classification.

Dr. Peter K. Rogan Lab, Western University
No classification provided (evidence only). Condition: Colon adenocarcinoma. Review status: no classification provided. Collection method: in vitro. Allele origin: not applicable. Functional consequence: retained intron. Not counted in ClinVar's aggregate classification.

Dr. Peter K. Rogan Lab, Western University
No classification provided (evidence only). Condition: Sarcoma. Review status: no classification provided. Collection method: in vitro. Allele origin: not applicable. Functional consequence: retained intron. Not counted in ClinVar's aggregate classification.

Dr. Peter K. Rogan Lab, Western University
No classification provided (evidence only). Condition: Hepatocellular carcinoma. Review status: no classification provided. Collection method: in vitro. Allele origin: not applicable. Functional consequence: retained intron. Not counted in ClinVar's aggregate classification.

Dr. Peter K. Rogan Lab, Western University
No classification provided (evidence only). Condition: Hepatocellular carcinoma. Review status: no classification provided. Collection method: in vitro. Allele origin: not applicable. Functional consequence: retained intron. Not counted in ClinVar's aggregate classification.

Dr. Peter K. Rogan Lab, Western University
No classification provided (evidence only). Condition: Thymoma. Review status: no classification provided. Collection method: in vitro. Allele origin: not applicable. Functional consequence: retained intron. Not counted in ClinVar's aggregate classification.